The following is an entry in ClinVar:

ClinVar aggregate classification (germline): Uncertain significance. Review status: criteria provided, multiple submitters, no conflicts (2 of 4 stars). 3 submissions from 3 submitters: Uncertain significance (3). Last evaluated 2025-05-13.

Conditions:
Hereditary cancer-predisposing syndrome. Also called: Neoplastic Syndromes, Hereditary; Tumor predisposition; Hereditary neoplastic syndrome; Hereditary Cancer Syndrome. Identifiers: Orphanet 140162, MedGen C0027672, MeSH D009386, MONDO:0015356.
Familial cancer of breast. Also called: BREAST CANCER, FAMILIAL; Hereditary breast cancer; hereditary breast carcinoma. Identifiers: Orphanet 227535, MedGen C0346153, MONDO:0016419, OMIM 114480. Disease mechanism: loss of function.

Submissions (3):

Labcorp Genetics (formerly Invitae), Labcorp
Classification: Uncertain significance for Familial cancer of breast. Last evaluated: 2025-05-13. Review status: criteria provided, single submitter. Criteria: Invitae Variant Classification Sherloc (09022015). Collection method: clinical testing. Allele origin: germline.
Comment: This sequence change replaces glutamic acid, which is acidic and polar, with glutamine, which is neutral and polar, at codon 13 of the PALB2 protein (p.Glu13Gln). This variant is not present in population databases (gnomAD no frequency). This variant has not been reported in the literature in individuals affected with PALB2-related conditions. ClinVar contains an entry for this variant (Variation ID: 824235). An algorithm developed to predict the effect of missense changes on protein structure and function (PolyPhen-2) suggests that this variant is likely to be disruptive. RNA analysis performed to evaluate the impact of this missense change on mRNA splicing indicates it does not significantly alter splicing (internal data). In summary, the available evidence is currently insufficient to determine the role of this variant in disease. Therefore, it has been classified as a Variant of Uncertain Significance.

Women's Health and Genetics/Laboratory Corporation of America, LabCorp
Classification: Uncertain significance. Last evaluated: 2023-12-03. Review status: criteria provided, single submitter. Criteria: LabCorp Variant Classification Summary - May 2015. Collection method: clinical testing. Allele origin: germline.

Ambry Genetics
Classification: Uncertain significance for Hereditary cancer-predisposing syndrome. Last evaluated: 2019-05-24. Review status: criteria provided, single submitter. Criteria: Ambry Variant Classification Scheme 2023. Collection method: clinical testing. Allele origin: germline.
Comment: The p.E13Q variant (also known as c.37G>C), located in coding exon 1 of the PALB2 gene, results from a G to C substitution at nucleotide position 37. The glutamic acid at codon 13 is replaced by glutamine, an amino acid with highly similar properties. This amino acid position is highly conserved in available vertebrate species. In addition, this alteration is predicted to be tolerated by in silico analysis. Since supporting evidence is limited at this time, the clinical significance of this alteration remains unclear.

NM_024675.4(PALB2):c.37G>C (p.Glu13Gln)

Gene: PALB2 (partner and localizer of BRCA2; minus strand). Cytogenetic location: 16p12.2.
Variant type: single nucleotide variant.
Coding change: c.37G>C on transcript NM_024675.4 (MANE Select); coding-DNA position 37, G replaced by C.
Protein change: p.Glu13Gln; replaces glutamic acid 13 with glutamine.
Molecular consequence: missense variant.
Genome position (GRCh38, 1-based): chr16:23,641,121, C>G on the plus strand (G>C on the coding strand, the complement: PALB2 is on the minus strand). VCF-style: chr16-23641121-C-G. GRCh37 (hg19) VCF-style: chr16-23652442-C-G.
Other names: short protein forms E13Q.
Identifiers: ClinVar variation 824235 (VCV000824235.16), dbSNP rs373287455, ClinGen allele CA395141058.